The following is an entry in ClinVar:

NM_001172303.3(MASTL):c.1488C>T (p.His496=)

Gene: MASTL (microtubule associated serine/threonine kinase like; plus strand). Cytogenetic location: 10p12.1.
Variant type: single nucleotide variant.
Coding change: c.1488C>T on transcript NM_001172303.3 (MANE Select); coding-DNA position 1488, C replaced by T.
Protein change: p.His496=; no amino-acid change (histidine 496 retained).
Molecular consequence: synonymous variant. On other transcripts: non-coding transcript variant (1).
Genome position (GRCh38, 1-based): chr10:27,170,447, C>T. VCF-style: chr10-27170447-C-T. GRCh37 (hg19) VCF-style: chr10-27459376-C-T.
Other names: p.His496=; c.1488C>T, p.His496= (NM_001172304.3, NM_001320756.2, NM_001320757.2 and 1 more transcripts); c.1005C>T, p.His335= (NM_001372029.1, NM_001372030.1).
Identifiers: ClinVar variation 878465 (VCV000878465.6), dbSNP rs74126920, ClinGen allele CA5450229.

ClinVar aggregate classification (germline): Benign/Likely benign. Review status: criteria provided, multiple submitters, no conflicts (2 of 4 stars). 3 submissions from 3 submitters: Benign (1); Likely benign (2). Last evaluated 2024-09-13.

Conditions:
Thrombocytopenia. Identifiers: MedGen C0040034, MeSH D013921, MONDO:0002049, HP:0001873.

Allele frequency attached by ClinVar (database versions not stated): gnomAD exomes 0.00019 and 0.00053; ExAC 0.00068; gnomAD 0.00194 and 0.00212; 1000 Genomes Project 0.00220; ESP Exome Variant Server 0.00223; TOPMed 0.00232; 1000 Genomes Project 30x 0.00234.
gnomAD v4.1: 593 of 1,614,032 alleles (0.037%); highest among the groups gnomAD compares: African/African-American, 0.69%; 1 homozygote.

Submissions (3):

Blueprint Genetics
Classification: Likely benign. Last evaluated: 2024-09-13. Review status: criteria provided, single submitter. Criteria: ACMG Guidelines, 2015. Collection method: clinical testing. Allele origin: germline.

Mayo Clinic Laboratories, Mayo Clinic
Classification: Likely benign. Last evaluated: 2024-06-15. Review status: criteria provided, single submitter. Criteria: ACMG Guidelines, 2015. Collection method: clinical testing. Allele origin: germline. Observed: 6 variant alleles.
Comment: BS1, BP4, BP7

Illumina Laboratory Services, Illumina
Classification: Benign for Thrombocytopenia. Last evaluated: 2018-01-12. Review status: criteria provided, single submitter. Criteria: ICSL Variant Classification Criteria 13 December 2019. Collection method: clinical testing. Allele origin: germline.
Comment: This variant was observed in the ICSL laboratory as part of a predisposition screen in an ostensibly healthy population. It had not been previously curated by ICSL or reported in the Human Gene Mutation Database (HGMD: prior to June 1st, 2018), and was therefore a candidate for classification through an automated scoring system. Utilizing variant allele frequency, disease prevalence and penetrance estimates, and inheritance mode, an automated score was calculated to assess if this variant is too frequent to cause the disease. Based on the score and internal cut-off values, a variant classified as benign is not then subjected to further curation. The score for this variant resulted in a classification of benign for this disease.